The following is an entry in ClinVar:

ClinVar aggregate classification (germline): Uncertain significance (1 of 4 stars; one submission).

Conditions:
Hereditary nonpolyposis colorectal neoplasms. Identifiers: MedGen C0009405, MeSH D003123.

Submission:

Labcorp Genetics (formerly Invitae), Labcorp
Classification: Uncertain significance for Hereditary nonpolyposis colorectal neoplasms. Last evaluated: 2022-04-17. Review status: criteria provided, single submitter. Criteria: Invitae Variant Classification Sherloc (09022015). Collection method: clinical testing. Allele origin: germline.
Comment: In summary, the available evidence is currently insufficient to determine the role of this variant in disease. Therefore, it has been classified as a Variant of Uncertain Significance. Advanced modeling of protein sequence and biophysical properties (such as structural, functional, and spatial information, amino acid conservation, physicochemical variation, residue mobility, and thermodynamic stability) performed at Invitae indicates that this missense variant is not expected to disrupt PMS2 protein function. This variant has not been reported in the literature in individuals affected with PMS2-related conditions. This variant is not present in population databases (gnomAD no frequency). This sequence change replaces isoleucine, which is neutral and non-polar, with valine, which is neutral and non-polar, at codon 508 of the PMS2 protein (p.Ile508Val).

NM_000535.7(PMS2):c.1522A>G (p.Ile508Val)

Gene: PMS2 (PMS1 homolog 2, mismatch repair system component; minus strand). Cytogenetic location: 7p22.1.
Variant type: single nucleotide variant.
Coding change: c.1522A>G on transcript NM_000535.7 (MANE Select); coding-DNA position 1522, A replaced by G.
Protein change: p.Ile508Val; replaces isoleucine 508 with valine.
Molecular consequence: missense variant. On other transcripts: non-coding transcript variant (1).
Genome position (GRCh38, 1-based): chr7:5,987,243, T>C on the plus strand (A>G on the coding strand, the complement: PMS2 is on the minus strand). VCF-style: chr7-5987243-T-C. GRCh37 (hg19) VCF-style: chr7-6026874-T-C.
Other names: c.1117A>G, p.Ile373Val (NM_001322003.2, NM_001322004.2, NM_001322005.2 and 1 more transcripts); c.1366A>G, p.Ile456Val (NM_001322006.2); c.1204A>G, p.Ile402Val (NM_001322007.2, NM_001322008.2); c.961A>G, p.Ile321Val (NM_001322010.2); c.589A>G, p.Ile197Val (NM_001322011.2, NM_001322012.2); c.949A>G, p.Ile317Val (NM_001322013.2); c.1522A>G, p.Ile508Val (NM_001322014.2); c.1213A>G, p.Ile405Val (NM_001322015.2); short protein forms I402V, I321V, I405V, I456V, I508V, I317V, I373V, I197V.
Identifiers: ClinVar variation 1510080 (VCV001510080.8), dbSNP rs63750272, ClinGen allele CA366741683.
Genomic context (GRCh38, chr7:5,987,243, plus strand): 5'-CCCTGTCCCCTGGGGAGCTGGCCGCATACTCGCTGCTGCAGTGACTGCCCGTGTCTGGGA[T>C]GCTGAACCCCTCAGAATCCACGGAAGTGCTGCCGTGCCCCGAGTCCTTCTCCACCTCCGC-3'
Protein context (NP_000526.2, residues 498-518): STSVDSEGFS[Ile508Val]PDTGSHCSSE